The following is an entry in ClinVar:

ClinVar aggregate classification (germline): Likely pathogenic (1 of 4 stars; one submission).

Conditions:
Neurodevelopmental disorder with hypotonia, seizures, and absent language (NDHSAL). Identifiers: MedGen C4310643, MONDO:0014995, OMIM 617268.

Submission:

3billion
Classification: Likely pathogenic for Neurodevelopmental disorder with hypotonia, seizures, and absent language. Last evaluated: 2024-01-17. Review status: criteria provided, single submitter. Criteria: ACMG Guidelines, 2015. Collection method: clinical testing. Allele origin: germline. Affected: yes.
Comment: The variant is not observed in the gnomAD v2.1.1 dataset. Predicted Consequence/Location: Missense changes are a common disease-causing mechanism. In silico tool predictions suggest damaging effect of the variant on gene or gene product [3Cnet: 0.71 (>=0.6, sensitivity 0.72 and precision 0.9)]. Same nucleotide change resulting in same amino acid change has been previously reported to be associated with HECW2-related disorder (PMID: 33644862). The variant has been previously reported as de novo in a similarly affected individual (PMID: 33644862). Therefore, this variant is classified as Likely pathogenic according to the recommendation of ACMG/AMP guideline.

Literature cited by the submitters: PubMed 33644862.

NM_001348768.2(HECW2):c.4690G>A (p.Glu1564Lys)

Gene: HECW2 (HECT, C2 and WW domain containing E3 ubiquitin protein ligase 2; minus strand). Cytogenetic location: 2q32.3.
Variant type: single nucleotide variant.
Coding change: c.4690G>A on transcript NM_001348768.2 (MANE Select); coding-DNA position 4690, G replaced by A.
Protein change: p.Glu1564Lys; replaces glutamic acid 1564 with lysine.
Molecular consequence: missense variant.
Genome position (GRCh38, 1-based): chr2:196,201,306, C>T on the plus strand (G>A on the coding strand, the complement: HECW2 is on the minus strand). VCF-style: chr2-196201306-C-T. GRCh37 (hg19) VCF-style: chr2-197066030-C-T.
Other names: c.3622G>A, p.Glu1208Lys (NM_001304840.3); c.4690G>A, p.Glu1564Lys (NM_020760.4); short protein forms E1208K, E1564K.
Identifiers: ClinVar variation 3776297 (VCV003776297.1).